The following is an entry in ClinVar:

ClinVar aggregate classification (germline): Uncertain significance. Review status: criteria provided, multiple submitters, no conflicts (2 of 4 stars). 2 submissions from 2 submitters: Uncertain significance (2). Last evaluated 2025-08-14.

Conditions:
Congenital myasthenic syndrome 8. Also called: MYASTHENIC SYNDROME, CONGENITAL, DUE TO AGRIN DEFICIENCY; Myasthenic syndrome, congenital, 8, with pre- and postsynaptic defects. Identifiers: Orphanet 590, MedGen C3808739, MONDO:0014052, OMIM 615120.
Inborn genetic diseases. Identifiers: MedGen C0950123, MeSH D030342.

Allele frequency attached by ClinVar (database versions not stated): TOPMed 0.00001; gnomAD 0.00002.
gnomAD v4.1: 20 of 1,613,178 alleles (0.0012%); highest among the groups gnomAD compares: Non-Finnish European, 0.0017%; no homozygotes.

Submissions (2):

Ambry Genetics
Classification: Uncertain significance for Inborn genetic diseases. Last evaluated: 2025-08-14. Review status: criteria provided, single submitter. Criteria: Ambry Variant Classification Scheme 2023. Collection method: clinical testing. Allele origin: germline.

Labcorp Genetics (formerly Invitae), Labcorp
Classification: Uncertain significance for Congenital myasthenic syndrome 8. Last evaluated: 2020-05-24. Review status: criteria provided, single submitter. Criteria: Invitae Variant Classification Sherloc (09022015). Collection method: clinical testing. Allele origin: germline.
Comment: This variant has not been reported in the literature in individuals with AGRN-related conditions. This sequence change replaces glutamic acid with aspartic acid at codon 685 of the AGRN protein (p.Glu685Asp). The glutamic acid residue is moderately conserved and there is a small physicochemical difference between glutamic acid and aspartic acid. This variant is not present in population databases (ExAC no frequency). Algorithms developed to predict the effect of missense changes on protein structure and function output the following: SIFT: "Tolerated"; PolyPhen-2: "Possibly Damaging"; Align-GVGD: "Class C0". The aspartic acid amino acid residue is found in multiple mammalian species, suggesting that this missense change does not adversely affect protein function. These predictions have not been confirmed by published functional studies and their clinical significance is uncertain. In summary, the available evidence is currently insufficient to determine the role of this variant in disease. Therefore, it has been classified as a Variant of Uncertain Significance.

NM_198576.4(AGRN):c.2055G>C (p.Glu685Asp)

Gene: AGRN (agrin; plus strand). Cytogenetic location: 1p36.33.
Variant type: single nucleotide variant.
Coding change: c.2055G>C on transcript NM_198576.4 (MANE Select); coding-DNA position 2055, G replaced by C.
Protein change: p.Glu685Asp; replaces glutamic acid 685 with aspartic acid.
Molecular consequence: missense variant.
Genome position (GRCh38, 1-based): chr1:1,044,164, G>C. VCF-style: chr1-1044164-G-C. GRCh37 (hg19) VCF-style: chr1-979544-G-C.
Other names: c.2055G>C, p.Glu685Asp (NM_001305275.2); c.1740G>C, p.Glu580Asp (NM_001364727.2); c.2055G>C (NM_198576.3); short protein forms E580D, E685D.
Identifiers: ClinVar variation 1007403 (VCV001007403.9), dbSNP rs954560285, ClinGen allele CA16754910.